The following is an entry in ClinVar:

NM_001365999.1(SZT2):c.9073-6C>G

Gene: SZT2 (SZT2 subunit of KICSTOR complex; plus strand). Cytogenetic location: 1p34.2.
Variant type: single nucleotide variant.
Coding change: c.9073-6C>G on transcript NM_001365999.1 (MANE Select); 6 bases into the intron before coding-DNA position 9073, C replaced by G.
Molecular consequence: intron variant.
Genome position (GRCh38, 1-based): chr1:43,446,949, C>G. VCF-style: chr1-43446949-C-G. GRCh37 (hg19) VCF-style: chr1-43912620-C-G.
Other names: c.8902-6C>G (NM_015284.4).
Identifiers: ClinVar variation 3336013 (VCV003336013.1).

ClinVar aggregate classification (germline): Uncertain significance (1 of 4 stars; one submission).

gnomAD v4.1: 1 of 1,606,016 alleles (0.000062%); highest among the groups gnomAD compares: African/African-American, 0.0013%; no homozygotes.

Submission:

Women's Health and Genetics/Laboratory Corporation of America, LabCorp
Classification: Uncertain significance. Last evaluated: 2024-05-13. Review status: criteria provided, single submitter. Criteria: LabCorp Variant Classification Summary - May 2015. Collection method: clinical testing. Allele origin: germline.
Comment: Variant summary: SZT2 c.8902-6C>G alters a non-conserved nucleotide located close to a canonical splice site and therefore could affect mRNA splicing, leading to a significantly altered protein sequence. Several computational tools predict a significant impact on normal splicing: One predict the variant abolishes a canonical 3' acceptor site. Two predict the variant weakens a canonical 3' acceptor site. However, these predictions have yet to be confirmed by functional studies. The variant allele was found at a frequency of 4e-06 in 249002 control chromosomes. The available data on variant occurrences in the general population are insufficient to allow any conclusion about variant significance. To our knowledge, no occurrence of c.8902-6C>G in individuals affected with Early Infantile Epileptic Encephalopathy 18 and no experimental evidence demonstrating its impact on protein function have been reported. No submitters have cited clinical-significance assessments for this variant to ClinVar. Based on the evidence outlined above, the variant was classified as uncertain significance.